The following is an entry in ClinVar:

NM_004446.3(EPRS1):c.3776C>G (p.Pro1259Arg)

Gene: EPRS1 (glutamyl-prolyl-tRNA synthetase 1; minus strand). Cytogenetic location: 1q41.
Variant type: single nucleotide variant.
Coding change: c.3776C>G on transcript NM_004446.3 (MANE Select); coding-DNA position 3776, C replaced by G.
Protein change: p.Pro1259Arg; replaces proline 1259 with arginine.
Molecular consequence: missense variant.
Genome position (GRCh38, 1-based): chr1:219,979,551, G>C on the plus strand (C>G on the coding strand, the complement: EPRS1 is on the minus strand). VCF-style: chr1-219979551-G-C. GRCh37 (hg19) VCF-style: chr1-220152893-G-C.
Other names: short protein forms P1259R.
Identifiers: ClinVar variation 1680864 (VCV001680864.6), dbSNP rs372871451, ClinGen allele CA1399598.

ClinVar aggregate classification (germline): Uncertain significance (1 of 4 stars; one submission).

Allele frequency attached by ClinVar (database versions not stated): TOPMed 0.00006; gnomAD 0.00007; ESP Exome Variant Server 0.00008.
gnomAD v4.1: 96 of 1,613,594 alleles (0.0059%); highest among the groups gnomAD compares: Non-Finnish European, 0.0075%; no homozygotes.

Submission:

Labcorp Genetics (formerly Invitae), Labcorp
Classification: Uncertain significance. Last evaluated: 2025-02-24. Review status: criteria provided, single submitter. Criteria: Invitae Variant Classification Sherloc (09022015). Collection method: clinical testing. Allele origin: germline.
Comment: This sequence change replaces proline, which is neutral and non-polar, with arginine, which is basic and polar, at codon 1259 of the EPRS protein (p.Pro1259Arg). This variant is present in population databases (rs372871451, gnomAD 0.007%). This variant has not been reported in the literature in individuals affected with EPRS-related conditions. ClinVar contains an entry for this variant (Variation ID: 1680864). An algorithm developed to predict the effect of missense changes on protein structure and function (PolyPhen-2) suggests that this variant is likely to be tolerated. In summary, the available evidence is currently insufficient to determine the role of this variant in disease. Therefore, it has been classified as a Variant of Uncertain Significance.